The following is an entry in ClinVar:

NM_000368.5(TSC1):c.2218T>C (p.Leu740=)

Gene: TSC1 (TSC complex subunit 1; minus strand). Cytogenetic location: 9q34.13.
Variant type: single nucleotide variant.
Coding change: c.2218T>C on transcript NM_000368.5 (MANE Select); coding-DNA position 2218, T replaced by C.
Protein change: p.Leu740=; no amino-acid change (leucine 740 retained).
Molecular consequence: synonymous variant.
Genome position (GRCh38, 1-based): chr9:132,902,778, A>G on the plus strand (T>C on the coding strand, the complement: TSC1 is on the minus strand). VCF-style: chr9-132902778-A-G. GRCh37 (hg19) VCF-style: chr9-135778165-A-G.
Other names: c.2215T>C, p.Leu739= (NM_001162426.2); c.2065T>C, p.Leu689= (NM_001162427.2); c.1855T>C, p.Leu619= (NM_001362177.2).
Identifiers: ClinVar variation 1107882 (VCV001107882.13), dbSNP rs2131741485, ClinGen allele CA467590641.

ClinVar aggregate classification (germline): Benign/Likely benign. Review status: criteria provided, multiple submitters, no conflicts (2 of 4 stars). 4 submissions from 4 submitters: Benign (1); Likely benign (3). Last evaluated 2025-09-05.

Conditions:
Hereditary cancer-predisposing syndrome. Also called: Hereditary neoplastic syndrome; Tumor predisposition; Neoplastic Syndromes, Hereditary; Hereditary Cancer Syndrome. Identifiers: Orphanet 140162, MedGen C0027672, MeSH D009386, MONDO:0015356.
Tuberous sclerosis syndrome (TSC). Also called: Tuberous sclerosis; Tuberous Sclerosis Complex. Identifiers: Orphanet 805, MedGen C0041341, MONDO:0001734.
Tuberous sclerosis 1 (TSC1). Identifiers: Orphanet 805, MedGen C1854465, MONDO:0008612, OMIM 191100.

Allele frequency attached by ClinVar (database versions not stated): gnomAD exomes below 0.00001.
gnomAD v4.1: 2 of 1,613,488 alleles (0.00012%); highest among the groups gnomAD compares: Non-Finnish European, 0.00017%; no homozygotes.

Submissions (4):

Color Diagnostics, LLC DBA Color Health
Classification: Likely benign for Tuberous sclerosis syndrome. Last evaluated: 2025-09-05. Review status: criteria provided, single submitter. Criteria: ACMG Guidelines, 2015. Collection method: clinical testing. Allele origin: germline.

Myriad Genetics, Inc.
Classification: Benign for Tuberous sclerosis 1. Last evaluated: 2025-04-24. Review status: criteria provided, single submitter. Criteria: Myriad Autosomal Dominant, Autosomal Recessive and X-Linked Classification Criteria (2023). Collection method: clinical testing. Allele origin: unknown.
Comment: This variant is considered benign. This variant is a silent/synonymous amino acid change and it is not expected to impact splicing.

Labcorp Genetics (formerly Invitae), Labcorp
Classification: Likely benign for Tuberous sclerosis 1. Last evaluated: 2025-02-05. Review status: criteria provided, single submitter. Criteria: Invitae Variant Classification Sherloc (09022015). Collection method: clinical testing. Allele origin: germline.

Ambry Genetics
Classification: Likely benign for Hereditary cancer-predisposing syndrome. Last evaluated: 2020-12-28. Review status: criteria provided, single submitter. Criteria: Ambry Variant Classification Scheme 2023. Collection method: clinical testing. Allele origin: germline.